The following is an entry in ClinVar:

ClinVar aggregate classification (germline): Uncertain significance. Review status: criteria provided, multiple submitters, no conflicts (2 of 4 stars). 2 submissions from 2 submitters: Uncertain significance (2). Last evaluated 2024-12-02.

Conditions:
Inborn genetic diseases. Identifiers: MedGen C0950123, MeSH D030342.

Allele frequency attached by ClinVar (database versions not stated): gnomAD 0.00001; TOPMed 0.00002.
gnomAD v4.1: 3 of 1,614,018 alleles (0.00019%); highest among the groups gnomAD compares: Admixed American, 0.0033%; no homozygotes.

Submissions (2):

Labcorp Genetics (formerly Invitae), Labcorp
Classification: Uncertain significance. Last evaluated: 2024-12-02. Review status: criteria provided, single submitter. Criteria: Invitae Variant Classification Sherloc (09022015). Collection method: clinical testing. Allele origin: germline.
Comment: This sequence change replaces glycine, which is neutral and non-polar, with arginine, which is basic and polar, at codon 689 of the ZBTB20 protein (p.Gly689Arg). This variant is not present in population databases (gnomAD no frequency). This variant has not been reported in the literature in individuals affected with ZBTB20-related conditions. ClinVar contains an entry for this variant (Variation ID: 3191938). Invitae Evidence Modeling of protein sequence and biophysical properties (such as structural, functional, and spatial information, amino acid conservation, physicochemical variation, residue mobility, and thermodynamic stability) indicates that this missense variant is not expected to disrupt ZBTB20 protein function with a negative predictive value of 95%. In summary, the available evidence is currently insufficient to determine the role of this variant in disease. Therefore, it has been classified as a Variant of Uncertain Significance.

Ambry Genetics
Classification: Uncertain significance for Inborn genetic diseases. Last evaluated: 2023-12-14. Review status: criteria provided, single submitter. Criteria: Ambry Variant Classification Scheme 2023. Collection method: clinical testing. Allele origin: germline.

NM_001348800.3(ZBTB20):c.2065G>C (p.Gly689Arg)

Gene: ZBTB20 (zinc finger and BTB domain containing 20; minus strand). Cytogenetic location: 3q13.31.
Variant type: single nucleotide variant.
Coding change: c.2065G>C on transcript NM_001348800.3 (MANE Select); coding-DNA position 2065, G replaced by C.
Protein change: p.Gly689Arg; replaces glycine 689 with arginine.
Molecular consequence: missense variant. On other transcripts: non-coding transcript variant (1).
Genome position (GRCh38, 1-based): chr3:114,339,166, C>G on the plus strand (G>C on the coding strand, the complement: ZBTB20 is on the minus strand). VCF-style: chr3-114339166-C-G. GRCh37 (hg19) VCF-style: chr3-114058013-C-G.
Other names: c.1846G>C, p.Gly616Arg (NM_015642.7, NM_001164343.2, NM_001164344.4 and 9 more transcripts); c.2065G>C, p.Gly689Arg (NM_001164342.2, NM_001348803.3, NM_001393393.1 and 1 more transcripts); short protein forms G616R, G689R.
Identifiers: ClinVar variation 3191938 (VCV003191938.3), dbSNP rs2079578882, ClinGen allele CA353999620.